The following is an entry in ClinVar:

ClinVar aggregate classification (germline): Benign/Likely benign. Review status: criteria provided, multiple submitters, no conflicts (2 of 4 stars). 5 submissions from 5 submitters: Benign (3); Likely benign (1). 1 of the submissions does not count toward it. Last evaluated 2026-09-01.

Conditions:
PIK3C2A-related disorder. Also called: PIK3C2A-related condition.

Allele frequency attached by ClinVar (database versions not stated): ESP Exome Variant Server 0.00809; gnomAD exomes 0.00989 and 0.00801; 1000 Genomes Project 0.00639; 1000 Genomes Project 30x 0.00640; gnomAD 0.00682 and 0.00716; TOPMed 0.00737; ExAC 0.00802.
gnomAD v4.1: 15,440 of 1,595,576 alleles (0.97%); highest among the groups gnomAD compares: Middle Eastern, 2.1%; 117 homozygotes.

Submissions (5):

CeGaT Center for Human Genetics Tuebingen
Classification: Benign. Last evaluated: 2026-09-01. Review status: criteria provided, single submitter. Criteria: CeGaT Center For Human Genetics Tuebingen Variant Classification Criteria Version 2. Collection method: clinical testing. Allele origin: germline. Affected: yes. Observed: 13 variant alleles.
Comment: PIK3C2A: BP4, BS1, BS2

Labcorp Genetics (formerly Invitae), Labcorp
Classification: Benign. Last evaluated: 2026-02-02. Review status: criteria provided, single submitter. Criteria: Invitae Variant Classification Sherloc (09022015). Collection method: clinical testing. Allele origin: germline.

Genomic Medicine Center of Excellence, King Faisal Specialist Hospital and Research Centre
Classification: Likely benign. Last evaluated: 2025-08-18. Review status: criteria provided, single submitter. Criteria: ACMG Guidelines, 2015. Collection method: clinical testing. Allele origin: germline.

Breakthrough Genomics
Classification: Benign. Review status: criteria provided, single submitter. Criteria: ACMG Guidelines, 2015. Collection method: not provided. Allele origin: germline. Inheritance: Autosomal recessive inheritance. Affected: yes.

PreventionGenetics, part of Exact Sciences
Classification: Benign for PIK3C2A-related condition. Last evaluated: 2019-11-11. Review status: no assertion criteria provided. Collection method: clinical testing. Allele origin: germline. Not counted in ClinVar's aggregate classification.
Comment: This variant is classified as benign based on ACMG/AMP sequence variant interpretation guidelines (Richards et al. 2015 PMID: 25741868, with internal and published modifications).

NM_002645.4(PIK3C2A):c.1757G>A (p.Ser586Asn)

Gene: PIK3C2A (phosphatidylinositol-4-phosphate 3-kinase catalytic subunit type 2 alpha; minus strand). Cytogenetic location: 11p15.1.
Variant type: single nucleotide variant.
Coding change: c.1757G>A on transcript NM_002645.4 (MANE Select); coding-DNA position 1757, G replaced by A.
Protein change: p.Ser586Asn; replaces serine 586 with asparagine.
Molecular consequence: missense variant.
Genome position (GRCh38, 1-based): chr11:17,136,573, C>T on the plus strand (G>A on the coding strand, the complement: PIK3C2A is on the minus strand). VCF-style: chr11-17136573-C-T. GRCh37 (hg19) VCF-style: chr11-17158120-C-T.
Other names: c.1757G>A, p.Ser586Asn (NM_001321378.2); c.617G>A, p.Ser206Asn (NM_001321380.2); short protein forms S206N, S586N.
Identifiers: ClinVar variation 773657 (VCV000773657.35), dbSNP rs61733866, ClinGen allele CA5901262.